The following is an entry in ClinVar:

NM_020928.2(ZSWIM6):c.3035C>T (p.Thr1012Met)

Gene: ZSWIM6 (zinc finger SWIM-type containing 6; plus strand). Cytogenetic location: 5q12.1.
Variant type: single nucleotide variant.
Coding change: c.3035C>T on transcript NM_020928.2 (MANE Select); coding-DNA position 3035, C replaced by T.
Protein change: p.Thr1012Met; replaces threonine 1012 with methionine.
Molecular consequence: missense variant.
Genome position (GRCh38, 1-based): chr5:61,543,704, C>T. VCF-style: chr5-61543704-C-T. GRCh37 (hg19) VCF-style: chr5-60839531-C-T.
Other names: c.3035C>T (NM_020928.1); short protein forms T1012M.
Identifiers: ClinVar variation 1537569 (VCV001537569.32), dbSNP rs138406248, ClinGen allele CA119664254.

ClinVar aggregate classification (germline): Conflicting classifications of pathogenicity. Review status: criteria provided, conflicting classifications (1 of 4 stars). 3 submissions from 3 submitters: Uncertain significance (2); Likely benign (1). Last evaluated 2025-06-18.

Conditions:
Inborn genetic diseases. Identifiers: MedGen C0950123, MeSH D030342.

Allele frequency attached by ClinVar (database versions not stated): gnomAD exomes 0.00003 and 0.00006; gnomAD 0.00004; TOPMed 0.00005.
gnomAD v4.1: 91 of 1,551,552 alleles (0.0059%); highest among the groups gnomAD compares: East Asian, 0.0073%; no homozygotes.

Submissions (3):

Ambry Genetics
Classification: Uncertain significance for Inborn genetic diseases. Last evaluated: 2025-06-18. Review status: criteria provided, single submitter. Criteria: Ambry Variant Classification Scheme 2023. Collection method: clinical testing. Allele origin: germline.

Labcorp Genetics (formerly Invitae), Labcorp
Classification: Likely benign. Last evaluated: 2025-05-19. Review status: criteria provided, single submitter. Criteria: Invitae Variant Classification Sherloc (09022015). Collection method: clinical testing. Allele origin: germline.

CeGaT Center for Human Genetics Tuebingen
Classification: Uncertain significance. Last evaluated: 2024-03-01. Review status: criteria provided, single submitter. Criteria: CeGaT Center For Human Genetics Tuebingen Variant Classification Criteria Version 2. Collection method: clinical testing. Allele origin: germline. Affected: yes. Observed: 2 variant alleles.
Comment: ZSWIM6: PP2